The following is an entry in ClinVar:

ClinVar aggregate classification (germline): Pathogenic/Likely pathogenic. Review status: criteria provided, multiple submitters, no conflicts (2 of 4 stars). 2 submissions from 2 submitters: Pathogenic (1); Likely pathogenic (1). Last evaluated 2023-09-02.

Conditions:
Biotinidase deficiency. Also called: Biotin deficiency; BTD deficiency; Late-onset biotin-responsive multiple carboxylase deficiency. Identifiers: Orphanet 79241, MedGen C0220754, MONDO:0009665, OMIM 253260.

Allele frequency attached by ClinVar (database versions not stated): gnomAD exomes below 0.00001; TOPMed below 0.00001; gnomAD 0.00001; ESP Exome Variant Server 0.00008.
gnomAD v4.1: 4 of 1,614,000 alleles (0.00025%); highest among the groups gnomAD compares: Non-Finnish European, 0.00034%; no homozygotes.

Submissions (2):

Baylor Genetics
Classification: Pathogenic for Biotinidase deficiency. Last evaluated: 2023-09-02. Review status: criteria provided, single submitter. Criteria: ACMG Guidelines, 2015. Collection method: clinical testing. Allele origin: unknown.

Women's Health and Genetics/Laboratory Corporation of America, LabCorp
Classification: Likely pathogenic for Biotinidase deficiency. Last evaluated: 2023-02-04. Review status: criteria provided, single submitter. Criteria: LabCorp Variant Classification Summary - May 2015. Collection method: clinical testing. Allele origin: germline.
Comment: Variant summary: BTD c.755G>A (p.Trp252X) results in a premature termination codon and is predicted to cause a truncation of the encoded protein, which is a commonly known mechanisms for disease. This variant is predicted to disrupt the last 272 amino acids in the protein sequence. Truncations downstream of this position have been classified as pathogenic within ClinVar (e.g. c.873del [p.Ser291fs], c.1025T>A [p.Leu342Ter]). The variant was absent in 251444 control chromosomes (gnomAD). c.755G>A has been reported in the literature in at least one compound heterozygous individual affected with Biotinidase Deficiency (Procter_2016). These data do not allow any conclusion about variant significance. To our knowledge, no experimental evidence demonstrating an impact on protein function has been reported. No clinical diagnostic laboratories have submitted clinical-significance assessments for this variant to ClinVar after 2014. Based on the evidence outlined above, the variant was classified as likely pathogenic.

Literature cited by the submitters: PubMed 26810761 (cited by Women's Health and Genetics/Laboratory Corporation of America, LabCorp).

NM_001370658.1(BTD):c.755G>A (p.Trp252Ter)

Gene: BTD (biotinidase; plus strand). Cytogenetic location: 3p25.1.
Variant type: single nucleotide variant.
Coding change: c.755G>A on transcript NM_001370658.1 (MANE Select); coding-DNA position 755, G replaced by A.
Protein change: p.Trp252Ter; replaces tryptophan 252 with a stop codon.
Molecular consequence: nonsense. On other transcripts: intron variant (1).
Genome position (GRCh38, 1-based): chr3:15,644,671, G>A. VCF-style: chr3-15644671-G-A. GRCh37 (hg19) VCF-style: chr3-15686178-G-A.
Other names: c.815G>A, p.Trp272Ter (NM_000060.4); c.755G>A, p.Trp252Ter (NM_001281723.4, NM_001281724.3, NM_001281725.3 and 18 more transcripts); c.399+2614G>A (NM_001370753.1); short protein forms W252*.
Identifiers: ClinVar variation 2445709 (VCV002445709.2), dbSNP rs148031701, ClinGen allele CA70622203.